The following is an entry in ClinVar:

ClinVar aggregate classification (germline): Uncertain significance. Review status: criteria provided, multiple submitters, no conflicts (2 of 4 stars). 2 submissions from 2 submitters: Uncertain significance (2). Last evaluated 2026-08-22.

Conditions:
Hereditary cancer-predisposing syndrome. Also called: Neoplastic Syndromes, Hereditary; Hereditary Cancer Syndrome; Hereditary neoplastic syndrome; Tumor predisposition. Identifiers: Orphanet 140162, MedGen C0027672, MeSH D009386, MONDO:0015356.

Allele frequency attached by ClinVar (database versions not stated): gnomAD exomes below 0.00001; ExAC 0.00001.
gnomAD v4.1: 1 of 1,613,954 alleles (0.000062%); highest among the groups gnomAD compares: Non-Finnish European, 0.000085%; no homozygotes.

Submissions (2):

Ambry Genetics
Classification: Uncertain significance for Hereditary cancer-predisposing syndrome. Last evaluated: 2026-08-22. Review status: criteria provided, single submitter. Criteria: Ambry Variant Classification Scheme 2023. Collection method: clinical testing. Allele origin: germline.
Comment: The p.I2105M variant (also known as c.6315C>G), located in coding exon 45 of the POLE gene, results from a C to G substitution at nucleotide position 6315. The isoleucine at codon 2105 is replaced by methionine, an amino acid with highly similar properties. This amino acid position is conserved. In addition, this alteration is predicted to be tolerated by in silico analysis. Based on the available evidence, the clinical significance of this variant remains unclear.

Labcorp Genetics (formerly Invitae), Labcorp
Classification: Uncertain significance. Last evaluated: 2022-08-09. Review status: criteria provided, single submitter. Criteria: Invitae Variant Classification Sherloc (09022015). Collection method: clinical testing. Allele origin: germline.
Comment: In summary, the available evidence is currently insufficient to determine the role of this variant in disease. Therefore, it has been classified as a Variant of Uncertain Significance. Algorithms developed to predict the effect of missense changes on protein structure and function are either unavailable or do not agree on the potential impact of this missense change (SIFT: "Deleterious"; PolyPhen-2: "Benign"; Align-GVGD: "Class C0"). ClinVar contains an entry for this variant (Variation ID: 641472). This variant has not been reported in the literature in individuals affected with POLE-related conditions. This variant is present in population databases (rs763695065, gnomAD 0.0009%). This sequence change replaces isoleucine, which is neutral and non-polar, with methionine, which is neutral and non-polar, at codon 2105 of the POLE protein (p.Ile2105Met).

NM_006231.4(POLE):c.6315C>G (p.Ile2105Met)

Gene: POLE (DNA polymerase epsilon, catalytic subunit; minus strand). Cytogenetic location: 12q24.33.
Variant type: single nucleotide variant.
Coding change: c.6315C>G on transcript NM_006231.4 (MANE Select); coding-DNA position 6315, C replaced by G.
Protein change: p.Ile2105Met; replaces isoleucine 2105 with methionine.
Molecular consequence: missense variant.
Genome position (GRCh38, 1-based): chr12:132,632,330, G>C on the plus strand (C>G on the coding strand, the complement: POLE is on the minus strand). VCF-style: chr12-132632330-G-C. GRCh37 (hg19) VCF-style: chr12-133208916-G-C.
Other names: c.6315C>G (NM_006231.2); short protein forms I2105M.
Identifiers: ClinVar variation 641472 (VCV000641472.9), dbSNP rs763695065, ClinGen allele CA6892232.
Genomic context (GRCh38, chr12:132,632,330, plus strand): 5'-ATGTACGTTAGTGTCCTCTCCTCACACGCACGCTGGCACTCTCACCTTGCACACGTATTT[G>C]ATGAACTCCAGGGCAGGGTTATTGAGCAGCAAGTGGGAACCGGGGAGGACAGGAAACATC-3'
Protein context (NP_006222.2, residues 2095-2115): LLLNNPALEF[Ile2105Met]KYVCKVLSLD